The following is an entry in ClinVar:

ClinVar aggregate classification (germline): Uncertain significance (1 of 4 stars; one submission).

Conditions:
Hereditary cancer-predisposing syndrome. Also called: Hereditary Cancer Syndrome; Hereditary neoplastic syndrome; Tumor predisposition; Neoplastic Syndromes, Hereditary. Identifiers: Orphanet 140162, MedGen C0027672, MeSH D009386, MONDO:0015356.

gnomAD v4.1: 2 of 1,613,866 alleles (0.00012%); highest among the groups gnomAD compares: Non-Finnish European, 0.00017%; no homozygotes.

Submission:

Ambry Genetics
Classification: Uncertain significance for Hereditary cancer-predisposing syndrome. Last evaluated: 2024-09-12. Review status: criteria provided, single submitter. Criteria: Ambry Variant Classification Scheme 2023. Collection method: clinical testing. Allele origin: germline.
Comment: The p.G1125D variant (also known as c.3374G>A), located in coding exon 21 of the ALK gene, results from a G to A substitution at nucleotide position 3374. The glycine at codon 1125 is replaced by aspartic acid, an amino acid with similar properties. This amino acid position is conserved. In addition, this alteration is predicted to be deleterious by in silico analysis. Based on the available evidence, the clinical significance of this variant remains unclear.

NM_004304.5(ALK):c.3374G>A (p.Gly1125Asp)

Gene: ALK (ALK receptor tyrosine kinase; minus strand). Cytogenetic location: 2p23.2.
Variant type: single nucleotide variant.
Coding change: c.3374G>A on transcript NM_004304.5 (MANE Select); coding-DNA position 3374, G replaced by A.
Protein change: p.Gly1125Asp; replaces glycine 1125 with aspartic acid.
Molecular consequence: missense variant.
Genome position (GRCh38, 1-based): chr2:29,222,593, C>T on the plus strand (G>A on the coding strand, the complement: ALK is on the minus strand). VCF-style: chr2-29222593-C-T. GRCh37 (hg19) VCF-style: chr2-29445459-C-T.
Other names: c.170G>A, p.Gly57Asp (NM_001353765.2); short protein forms G1125D, G57D.
Identifiers: ClinVar variation 3524626 (VCV003524626.1).